The following is an entry in ClinVar:

NM_000836.4(GRIN2D):c.1421C>T (p.Pro474Leu)

Gene: GRIN2D (glutamate ionotropic receptor NMDA type subunit 2D; plus strand). Cytogenetic location: 19q13.33.
Variant type: single nucleotide variant.
Coding change: c.1421C>T on transcript NM_000836.4 (MANE Select); coding-DNA position 1421, C replaced by T.
Protein change: p.Pro474Leu; replaces proline 474 with leucine.
Molecular consequence: missense variant.
Genome position (GRCh38, 1-based): chr19:48,414,872, C>T. VCF-style: chr19-48414872-C-T. GRCh37 (hg19) VCF-style: chr19-48918129-C-T.
Other names: short protein forms P474L.
Identifiers: ClinVar variation 1942555 (VCV001942555.6), dbSNP rs1316188370, ClinGen allele CA406695560.

ClinVar aggregate classification (germline): Uncertain significance. Review status: criteria provided, multiple submitters, no conflicts (2 of 4 stars). 2 submissions from 2 submitters: Uncertain significance (2). Last evaluated 2022-09-12.

Conditions:
Inborn genetic diseases. Identifiers: MedGen C0950123, MeSH D030342.

Allele frequency attached by ClinVar (database versions not stated): gnomAD exomes below 0.00001; gnomAD 0.00001; TOPMed 0.00001.
gnomAD v4.1: 2 of 1,614,002 alleles (0.00012%); highest among the groups gnomAD compares: East Asian, 0.0045%; no homozygotes.

Submissions (2):

Ambry Genetics
Classification: Uncertain significance for Inborn genetic diseases. Last evaluated: 2022-09-12. Review status: criteria provided, single submitter. Criteria: Ambry Variant Classification Scheme 2023. Collection method: clinical testing. Allele origin: germline.
Comment: The c.1421C>T (p.P474L) alteration is located in exon 6 (coding exon 5) of the GRIN2D gene. This alteration results from a C to T substitution at nucleotide position 1421, causing the proline (P) at amino acid position 474 to be replaced by a leucine (L). Based on data from gnomAD, the T allele has an overall frequency of <0.01% (1/31402) total alleles studied. The highest observed frequency was 0.06% (1/1560) of East Asian alleles. This amino acid position is not well conserved in available vertebrate species. This alteration is predicted to be tolerated by in silico analysis. Based on insufficient or conflicting evidence, the clinical significance of this alteration remains unclear.

Labcorp Genetics (formerly Invitae), Labcorp
Classification: Uncertain significance. Last evaluated: 2022-03-19. Review status: criteria provided, single submitter. Criteria: Invitae Variant Classification Sherloc (09022015). Collection method: clinical testing. Allele origin: germline.
Comment: This sequence change replaces proline, which is neutral and non-polar, with leucine, which is neutral and non-polar, at codon 474 of the GRIN2D protein (p.Pro474Leu). The frequency data for this variant in the population databases is considered unreliable, as metrics indicate poor data quality at this position in the gnomAD database. This variant has not been reported in the literature in individuals affected with GRIN2D-related conditions. Advanced modeling of protein sequence and biophysical properties (such as structural, functional, and spatial information, amino acid conservation, physicochemical variation, residue mobility, and thermodynamic stability) performed at Invitae indicates that this missense variant is not expected to disrupt GRIN2D protein function. In summary, the available evidence is currently insufficient to determine the role of this variant in disease. Therefore, it has been classified as a Variant of Uncertain Significance.